The following is an entry in ClinVar:

ClinVar aggregate classification (germline): Likely benign. Review status: criteria provided, multiple submitters, no conflicts (2 of 4 stars). 2 submissions from 2 submitters: Likely benign (2). Last evaluated 2026-03-01.

Allele frequency attached by ClinVar (database versions not stated): gnomAD 0.00005; TOPMed 0.00005; ExAC 0.00010; gnomAD exomes 0.00011.
gnomAD v4.1: 166 of 1,589,654 alleles (0.01%); highest among the groups gnomAD compares: Non-Finnish European, 0.013%; no homozygotes.

Submissions (2):

CeGaT Center for Human Genetics Tuebingen
Classification: Likely benign. Last evaluated: 2026-03-01. Review status: criteria provided, single submitter. Criteria: CeGaT Center For Human Genetics Tuebingen Variant Classification Criteria Version 2. Collection method: clinical testing. Allele origin: germline. Affected: yes. Observed: 2 variant alleles.
Comment: DHX37: BP4, BP7

Labcorp Genetics (formerly Invitae), Labcorp
Classification: Likely benign. Last evaluated: 2025-12-08. Review status: criteria provided, single submitter. Criteria: Invitae Variant Classification Sherloc (09022015). Collection method: clinical testing. Allele origin: germline.

NM_032656.4(DHX37):c.3078C>T (p.Cys1026=)

Gene: DHX37 (DEAH-box helicase 37; minus strand). Cytogenetic location: 12q24.31.
Variant type: single nucleotide variant.
Coding change: c.3078C>T on transcript NM_032656.4 (MANE Select); coding-DNA position 3078, C replaced by T.
Protein change: p.Cys1026=; no amino-acid change (cysteine 1026 retained).
Molecular consequence: synonymous variant.
Genome position (GRCh38, 1-based): chr12:124,950,456, G>A on the plus strand (C>T on the coding strand, the complement: DHX37 is on the minus strand). VCF-style: chr12-124950456-G-A. GRCh37 (hg19) VCF-style: chr12-125435002-G-A.
Identifiers: ClinVar variation 2168184 (VCV002168184.28), dbSNP rs779549498, ClinGen allele CA6871378.
Genomic context (GRCh38, chr12:124,950,456, plus strand): 5'-ACACTGCCCCAACTCACAGAACACGCTGGCCCGGTGACACAGCACCCGCCCCCGCTCGGG[G>A]CAGTATGTAGGGGCTGGTTCCTCCAGGGGCTTGTCAAACTGGCAGTAAGAGGGCAGCAGG-3'
Protein context (NP_116045.2, residues 1016-1036): KPLEEPAPTY[Cys1026=]PERGRVLCHR